The following is an entry in ClinVar:

ClinVar aggregate classification (germline): Uncertain significance (1 of 4 stars; one submission).

Conditions:
Juvenile polyposis syndrome (JPS). Identifiers: Orphanet 2929, MedGen C0345893, MONDO:0017380, OMIM 174900.

Submission:

Labcorp Genetics (formerly Invitae), Labcorp
Classification: Uncertain significance for Juvenile polyposis syndrome. Last evaluated: 2024-09-27. Review status: criteria provided, single submitter. Criteria: Invitae Variant Classification Sherloc (09022015). Collection method: clinical testing. Allele origin: germline.
Comment: This sequence change replaces threonine, which is neutral and polar, with alanine, which is neutral and non-polar, at codon 147 of the SMAD4 protein (p.Thr147Ala). This variant is not present in population databases (gnomAD no frequency). This variant has not been reported in the literature in individuals affected with SMAD4-related conditions. Invitae Evidence Modeling of protein sequence and biophysical properties (such as structural, functional, and spatial information, amino acid conservation, physicochemical variation, residue mobility, and thermodynamic stability) has been performed for this missense variant. However, the output from this modeling did not meet the statistical confidence thresholds required to predict the impact of this variant on SMAD4 protein function. In summary, the available evidence is currently insufficient to determine the role of this variant in disease. Therefore, it has been classified as a Variant of Uncertain Significance.

NM_005359.6(SMAD4):c.439A>G (p.Thr147Ala)

Gene: SMAD4 (SMAD family member 4; plus strand). Cytogenetic location: 18q21.2.
Variant type: single nucleotide variant.
Coding change: c.439A>G on transcript NM_005359.6 (MANE Select); coding-DNA position 439, A replaced by G.
Protein change: p.Thr147Ala; replaces threonine 147 with alanine.
Molecular consequence: missense variant. On other transcripts: non-coding transcript variant (2).
Genome position (GRCh38, 1-based): chr18:51,049,309, A>G. VCF-style: chr18-51049309-A-G. GRCh37 (hg19) VCF-style: chr18-48575679-A-G.
Other names: c.439A>G, p.Thr147Ala (NM_001407041.1, NM_001407042.1, NM_001407043.1); short protein forms T147A.
Identifiers: ClinVar variation 3637564 (VCV003637564.2).